The following is an entry in ClinVar:

ClinVar aggregate classification (germline): Pathogenic/Likely pathogenic. Review status: criteria provided, multiple submitters, no conflicts (2 of 4 stars). 2 submissions from 2 submitters: Pathogenic (1); Likely pathogenic (1). Last evaluated 2024-04-11.

Conditions:
Wolcott-Rallison dysplasia. Also called: Wolcott-Rallison syndrome; MED-IDDM SYNDROME. Identifiers: Orphanet 1667, MedGen C0432217, MONDO:0009192, OMIM 226980.

Submissions (2):

Fulgent Genetics
Classification: Likely pathogenic for Wolcott-Rallison dysplasia. Last evaluated: 2024-04-11. Review status: criteria provided, single submitter. Criteria: ACMG Guidelines, 2015. Collection method: clinical testing. Allele origin: germline.

Labcorp Genetics (formerly Invitae), Labcorp
Classification: Pathogenic. Last evaluated: 2023-02-06. Review status: criteria provided, single submitter. Criteria: Invitae Variant Classification Sherloc (09022015). Collection method: clinical testing. Allele origin: germline.
Comment: This variant is not present in population databases (gnomAD no frequency). This sequence change creates a premature translational stop signal (p.Met900Argfs*7) in the EIF2AK3 gene. It is expected to result in an absent or disrupted protein product. Loss-of-function variants in EIF2AK3 are known to be pathogenic (PMID: 11997520). For these reasons, this variant has been classified as Pathogenic. This variant has not been reported in the literature in individuals affected with EIF2AK3-related conditions.

Literature cited by the submitters: PubMed 11997520 (cited by Labcorp Genetics (formerly Invitae), Labcorp).

NM_004836.7(EIF2AK3):c.2699del (p.Met900fs)

Genes: EIF2AK3 (eukaryotic translation initiation factor 2 alpha kinase 3; minus strand), EIF2AK3-AS1 (EIF2AK3 antisense RNA 1; plus strand). Cytogenetic location: 2p11.2.
Variant type: Deletion.
Coding change: c.2699del on transcript NM_004836.7 (MANE Select); coding-DNA position 2699, one base deleted (T; older notation c.2699delT).
Protein change: p.Met900fs; shifts the reading frame from methionine 900.
Molecular consequence: frameshift variant. On other transcripts: non-coding transcript variant (1).
Genome position (GRCh38, 1-based): chr2:88,574,784, A deleted on the plus strand (T on the coding strand, the reverse complement: EIF2AK3 is on the minus strand). VCF-style (leftmost placement, unchanged base first): chr2-88574783-CA-C. GRCh37 (hg19) VCF-style: chr2-88874301-CA-C.
Other names: c.2246del, p.Met749fs (NM_001313915.2); short protein forms M749fs, M900fs.
Identifiers: ClinVar variation 2835002 (VCV002835002.4), dbSNP rs2529126807, ClinGen allele CA2739271141.